The following is an entry in ClinVar:

ClinVar aggregate classification (germline): Benign. Review status: criteria provided, multiple submitters, no conflicts (2 of 4 stars). 7 submissions from 7 submitters: Benign (6). 1 of the submissions does not count toward it. Last evaluated 2026-02-04.

Conditions:
Peroxisome biogenesis disorder 10A (Zellweger). Also called: Peroxisome biogenesis disorder 10A. Identifiers: Orphanet 912, MedGen C3553999, MONDO:0013948, OMIM 614882.

Allele frequency attached by ClinVar (database versions not stated): gnomAD exomes 0.38116 and 0.44726; ExAC 0.44284; ESP Exome Variant Server 0.48716; gnomAD 0.50599 and 0.51037; TOPMed 0.52520; 1000 Genomes Project 0.57089; 1000 Genomes Project 30x 0.57402.

Submissions (7):

Labcorp Genetics (formerly Invitae), Labcorp
Classification: Benign. Last evaluated: 2026-02-04. Review status: criteria provided, single submitter. Criteria: Invitae Variant Classification Sherloc (09022015). Collection method: clinical testing. Allele origin: germline.

Blueprint Genetics
Classification: Benign. Last evaluated: 2024-11-27. Review status: criteria provided, single submitter. Criteria: ACMG Guidelines, 2015. Collection method: clinical testing. Allele origin: germline.

GeneDx
Classification: Benign. Last evaluated: 2018-06-13. Review status: criteria provided, single submitter. Criteria: GeneDx Variant Classification (06012015). Collection method: clinical testing. Allele origin: germline. Affected: yes.
Comment: This variant is considered likely benign or benign based on one or more of the following criteria: it is a conservative change, it occurs at a poorly conserved position in the protein, it is predicted to be benign by multiple in silico algorithms, and/or has population frequency not consistent with disease.

Illumina Laboratory Services, Illumina
Classification: Benign for Peroxisome biogenesis disorder 10A (Zellweger). Last evaluated: 2018-01-13. Review status: criteria provided, single submitter. Criteria: ICSL Variant Classification Criteria 13 December 2019. Collection method: clinical testing. Allele origin: germline.
Comment: This variant was observed in the ICSL laboratory as part of a predisposition screen in an ostensibly healthy population. It had not been previously curated by ICSL or reported in the Human Gene Mutation Database (HGMD: prior to June 1st, 2018), and was therefore a candidate for classification through an automated scoring system. Utilizing variant allele frequency, disease prevalence and penetrance estimates, and inheritance mode, an automated score was calculated to assess if this variant is too frequent to cause the disease. Based on the score and internal cut-off values, a variant classified as benign is not then subjected to further curation. The score for this variant resulted in a classification of benign for this disease.

Eurofins Ntd Llc (ga)
Classification: Benign. Last evaluated: 2015-08-27. Review status: criteria provided, single submitter. Criteria: EGL Classification Definitions 2015. Collection method: clinical testing. Allele origin: germline. Observed: 1 variant allele, 1 heterozygote.

PreventionGenetics, part of Exact Sciences
Classification: Benign. Review status: criteria provided, single submitter. Criteria: ACMG Guidelines, 2015. Collection method: clinical testing. Allele origin: germline.

Mayo Clinic Laboratories, Mayo Clinic
Classification: Benign. Last evaluated: 2015-10-21. Review status: no assertion criteria provided. Collection method: clinical testing. Allele origin: unknown. Not counted in ClinVar's aggregate classification.

NM_003630.3(PEX3):c.942-13A>G

Gene: PEX3 (peroxisomal biogenesis factor 3; plus strand). Cytogenetic location: 6q24.2.
Variant type: single nucleotide variant.
Coding change: c.942-13A>G on transcript NM_003630.3 (MANE Select); 13 bases into the intron before coding-DNA position 942, A replaced by G.
Molecular consequence: intron variant.
Genome position (GRCh38, 1-based): chr6:143,485,139, A>G. VCF-style: chr6-143485139-A-G. GRCh37 (hg19) VCF-style: chr6-143806276-A-G.
Identifiers: ClinVar variation 259108 (VCV000259108.21), dbSNP rs161058, ClinGen allele CA4029716.